The following is an entry in ClinVar:

ClinVar aggregate classification (germline): Benign. Review status: criteria provided, multiple submitters, no conflicts (2 of 4 stars). 2 submissions from 2 submitters: Benign (2). Last evaluated 2016-04-06.

Allele frequency attached by ClinVar (database versions not stated): gnomAD exomes 0.00600 and 0.03729; ExAC 0.00818; gnomAD 0.01614 and 0.01782; TOPMed 0.02973; 1000 Genomes Project 30x 0.04232; 1000 Genomes Project 0.04313.
gnomAD v4.1: 8,496 of 1,103,220 alleles (0.77%); highest among the groups gnomAD compares: Admixed American, 16%; 767 homozygotes.

Submissions (2):

GeneDx
Classification: Benign. Last evaluated: 2016-04-06. Review status: criteria provided, single submitter. Criteria: GeneDx Variant Classification (06012015). Collection method: clinical testing. Allele origin: germline. Affected: yes.
Comment: This variant is considered likely benign or benign based on one or more of the following criteria: it is a conservative change, it occurs at a poorly conserved position in the protein, it is predicted to be benign by multiple in silico algorithms, and/or has population frequency not consistent with disease.

Breakthrough Genomics
Classification: Benign. Review status: criteria provided, single submitter. Criteria: ACMG Guidelines, 2015. Collection method: not provided. Allele origin: germline. Inheritance: Autosomal recessive inheritance. Affected: yes.

NM_144628.4(TBC1D20):c.-50C>T

Genes: TBC1D20 (TBC1 domain family member 20; minus strand), LOC130065265 (ATAC-STARR-seq lymphoblastoid silent region 12577; plus strand). Cytogenetic location: 20p13.
Variant type: single nucleotide variant.
Coding change: c.-50C>T on transcript NM_144628.4 (MANE Select); 50 bases upstream of the start codon, C replaced by T.
Molecular consequence: 5 prime UTR variant. On other transcripts: non-coding transcript variant (1).
Genome position (GRCh38, 1-based): chr20:462,455, G>A on the plus strand (C>T on the coding strand, the complement: TBC1D20 is on the minus strand). VCF-style: chr20-462455-G-A. GRCh37 (hg19) VCF-style: chr20-443099-G-A.
Identifiers: ClinVar variation 383425 (VCV000383425.2), dbSNP rs140759931, ClinGen allele CA9723736.
Genomic context (GRCh38, chr20:462,455, plus strand): 5'-CGGAGGGCCATGCCCCGGGGCCCCGGGCCCCCACCCGAGCCCCGGCTGGTGGCGGAGCCG[G>A]GAGAAGACGCGGCTCCGACCGCGGGACGTAGCACCCGCTCGGCATCGGCAGGCTCCCCTC-3'